The following is an entry in ClinVar:

ClinVar aggregate classification (germline): Uncertain significance (1 of 4 stars; one submission).

Submission:

CeGaT Center for Human Genetics Tuebingen
Classification: Uncertain significance. Last evaluated: 2024-02-01. Review status: criteria provided, single submitter. Criteria: CeGaT Center For Human Genetics Tuebingen Variant Classification Criteria Version 2. Collection method: clinical testing. Allele origin: germline. Affected: yes. Observed: 1 variant allele.
Comment: SPAST: PM1, PM2, PM4:Supporting

NM_014946.4(SPAST):c.1184_1186dup (p.Val395_Ala396insVal)

Gene: SPAST (spastin; plus strand). Cytogenetic location: 2p22.3.
Variant type: Duplication.
Coding change: c.1184_1186dup on transcript NM_014946.4 (MANE Select); coding-DNA positions 1184 to 1186, 3 bases duplicated (TAG; older notation c.1184_1186dupTAG).
Protein change: p.Val395_Ala396insVal.
Molecular consequence: inframe insertion.
Genome position (GRCh38, 1-based): chr2:32,128,418-32,128,420, TAG duplicated; duplicating any 3 consecutive bases within chr2:32,128,416-32,128,420 gives the same sequence; the c. name uses the placement nearest the transcript's 3' end. VCF-style (leftmost placement, unchanged base first): chr2-32128415-C-CAGT. GRCh37 (hg19) VCF-style: chr2-32353484-C-CAGT.
Other names: c.1181_1183dup, p.Val394_Ala395insVal (NM_001363823.2); c.1085_1087dup, p.Val362_Ala363insVal (NM_001363875.2); c.1088_1090dup, p.Val363_Ala364insVal (NM_001377959.1, NM_199436.2).
Identifiers: ClinVar variation 3027294 (VCV003027294.22), dbSNP rs2465864782, ClinGen allele CA2740092811.